The following is an entry in ClinVar:

NM_000059.4(BRCA2):c.316+5G>T

Gene: BRCA2 (BRCA2 DNA repair associated; plus strand). Cytogenetic location: 13q13.1.
Variant type: single nucleotide variant.
Coding change: c.316+5G>T on transcript NM_000059.4 (MANE Select); 5 bases into the intron after coding-DNA position 316, G replaced by T.
Molecular consequence: intron variant.
Genome position (GRCh38, 1-based): chr13:32,319,330, G>T. VCF-style: chr13-32319330-G-T. GRCh37 (hg19) VCF-style: chr13-32893467-G-T.
Other names: c.316+5G>T (NM_001406720.1, NM_001406719.1, NM_001406721.1 and 1 more transcripts); c.-54+5G>T (NM_001406722.1).
Identifiers: ClinVar variation 2835302 (VCV002835302.4), dbSNP rs81002840, ClinGen allele CA2739277551.

ClinVar aggregate classification (germline): Pathogenic/Likely pathogenic. Review status: criteria provided, multiple submitters, no conflicts (2 of 4 stars). 2 submissions from 2 submitters: Pathogenic (1); Likely pathogenic (1). Last evaluated 2026-08-21.

Conditions:
Hereditary breast ovarian cancer syndrome. Also called: Hereditary breast and ovarian cancer syndrome; Hereditary breast and ovarian cancer syndrome (HBOC); Breast and ovarian cancer; Hereditary breast and/or ovarian cancer syndrome; Hereditary breast and ovarian cancer; BRCA1- and BRCA2-Associated Hereditary Breast and Ovarian Cancer. Identifiers: Orphanet 145, MedGen C0677776, MeSH D061325, MONDO:0003582. Disease mechanism: loss of function.
Hereditary cancer-predisposing syndrome. Also called: Hereditary Cancer Syndrome; Hereditary neoplastic syndrome; Neoplastic Syndromes, Hereditary; Tumor predisposition. Identifiers: Orphanet 140162, MedGen C0027672, MeSH D009386, MONDO:0015356.

Submissions (2):

Ambry Genetics
Classification: Likely pathogenic for Hereditary cancer-predisposing syndrome. Last evaluated: 2026-08-21. Review status: criteria provided, single submitter. Criteria: Ambry Variant Classification Scheme 2023. Collection method: clinical testing. Allele origin: germline.
Comment: The c.316+5G>T intronic variant results from a G to T substitution 5 nucleotides after coding exon 2 in the BRCA2 gene. This nucleotide position is well conserved in available vertebrate species. Other variants impacting the same donor site (c.316+5G>C, c.316+5G>A) have been shown to have a similar impact on splicing in individuals with features consistent with BRCA2-related cancer predisposition (Ambry internal data). In silico splice site analysis predicts that this alteration will weaken the native splice donor site. This variant is considered to be rare based on population cohorts in the Genome Aggregation Database (gnomAD). Based on the majority of available evidence to date, this variant is likely to be pathogenic.

Labcorp Genetics (formerly Invitae), Labcorp
Classification: Pathogenic for Hereditary breast ovarian cancer syndrome. Last evaluated: 2024-05-15. Review status: criteria provided, single submitter. Criteria: Invitae Variant Classification Sherloc (09022015). Collection method: clinical testing. Allele origin: germline.
Comment: This sequence change falls in intron 3 of the BRCA2 gene. It does not directly change the encoded amino acid sequence of the BRCA2 protein. RNA analysis indicates that this variant induces altered splicing and likely results in a shortened protein product. This variant is not present in population databases (gnomAD no frequency). This variant has not been reported in the literature in individuals affected with BRCA2-related conditions. Variants that disrupt the consensus splice site are a relatively common cause of aberrant splicing (PMID: 17576681, 9536098). Studies have shown that this variant results in skipping of exon 3, but is expected to preserve the integrity of the reading-frame (Invitae). This variant disrupts a region of the BRCA2 protein in which other variant(s) (p.Trp31Cys) have been determined to be pathogenic (PMID: 16793542, 20215541, 22194698, 22678057, 24285729; Invitae). This suggests that this is a clinically significant region of the protein, and that variants that disrupt it are likely to be disease-causing. For these reasons, this variant has been classified as Pathogenic.

Literature cited by the submitters: PubMed 17576681 (cited by Labcorp Genetics (formerly Invitae), Labcorp); PubMed 9536098 (cited by Labcorp Genetics (formerly Invitae), Labcorp); PubMed 16793542 (cited by Labcorp Genetics (formerly Invitae), Labcorp); PubMed 20215541 (cited by Labcorp Genetics (formerly Invitae), Labcorp); PubMed 22194698 (cited by Labcorp Genetics (formerly Invitae), Labcorp); PubMed 22678057 (cited by Labcorp Genetics (formerly Invitae), Labcorp); PubMed 24285729 (cited by Labcorp Genetics (formerly Invitae), Labcorp).